The following is an entry in ClinVar:

NM_014717.3(ZNF536):c.2006del (p.Asp669fs)

Gene: ZNF536 (zinc finger protein 536; plus strand). Cytogenetic location: 19q12.
Variant type: Deletion.
Coding change: c.2006del on transcript NM_014717.3 (MANE Select); coding-DNA position 2006, one base deleted (A; older notation c.2006delA).
Protein change: p.Asp669fs; shifts the reading frame from aspartic acid 669.
Molecular consequence: frameshift variant.
Genome position (GRCh38, 1-based): chr19:30,445,568, A deleted. VCF-style (leftmost placement, unchanged base first): chr19-30445567-GA-G. GRCh37 (hg19) VCF-style: chr19-30936474-GA-G.
Other names: c.2006del, p.Asp669fs (NM_001352260.2, NM_001376110.1, NM_001376111.1 and 1 more transcripts); short protein forms D669fs.
Identifiers: ClinVar variation 4976620 (VCV004976620.2).

ClinVar aggregate classification (germline): Uncertain significance (1 of 4 stars; one submission).

Submission:

GeneDx
Classification: Uncertain significance. Last evaluated: 2026-10-01. Review status: criteria provided, single submitter. Criteria: GeneDx Variant Classification Process June 2021. Collection method: clinical testing. Allele origin: germline.
Comment: Frameshift variant predicted to result in protein truncation or nonsense mediated decay in a gene or region of a gene for which loss of function is not a well-established mechanism of disease; Not observed at significant frequency in large population cohorts (gnomAD); This variant is associated with the following publications: (PMID: 42697193)